The following is an entry in ClinVar:

NM_052989.3(IFT122):c.1009G>C (p.Val337Leu)

Gene: IFT122 (intraflagellar transport 122; plus strand). Cytogenetic location: 3q21.3.
Variant type: single nucleotide variant.
Coding change: c.1009G>C on transcript NM_052989.3 (MANE Select); coding-DNA position 1009, G replaced by C.
Protein change: p.Val337Leu; replaces valine 337 with leucine.
Molecular consequence: missense variant.
Genome position (GRCh38, 1-based): chr3:129,476,663, G>C. VCF-style: chr3-129476663-G-C. GRCh37 (hg19) VCF-style: chr3-129195506-G-C.
Other names: c.1162G>C (NM_052985.2); c.985G>C, p.Val329Leu (NM_001280541.2); c.559G>C, p.Val187Leu (NM_001280545.2); c.382G>C, p.Val128Leu (NM_001280546.2); c.832G>C, p.Val278Leu (NM_018262.4); c.1162G>C, p.Val388Leu (NM_052985.4); c.676G>C, p.Val226Leu (NM_052990.3); short protein forms V187L, V226L, V337L, V329L, V388L, V128L, V278L.
Identifiers: ClinVar variation 1362762 (VCV001362762.7), dbSNP rs769712676, ClinGen allele CA2606054.
Genomic context (GRCh38, chr3:129,476,663, plus strand): 5'-AATGGGGGAATGCAGACTTTCTCCAGAGAGCTGGGAATTGACAGTTCTCTCACCCCGCAG[G>C]TGGTCGGCTGCCAGGACGGCACCATTTCCTTCTACCAGCTTATTTTCAGCACAGTCCATG-3'
Protein context (NP_443715.1, residues 327-347): CQAKPDSNYV[Val337Leu]VGCQDGTISF

ClinVar aggregate classification (germline): Uncertain significance. Review status: criteria provided, multiple submitters, no conflicts (2 of 4 stars). 3 submissions from 3 submitters: Uncertain significance (3). Last evaluated 2025-10-08.

Conditions:
Inborn genetic diseases. Identifiers: MedGen C0950123, MeSH D030342.
Cranioectodermal dysplasia 1 (CED1). Also called: LEVIN SYNDROME I. Identifiers: Orphanet 1515, MedGen C0432235, MONDO:0021093, OMIM 218330.

Allele frequency attached by ClinVar (database versions not stated): gnomAD exomes below 0.00001; ExAC 0.00001; gnomAD 0.00001; TOPMed 0.00001.

Submissions (4):

Ambry Genetics
Classification: Uncertain significance for Inborn genetic diseases. Last evaluated: 2025-10-08. Review status: criteria provided, single submitter. Criteria: Ambry Variant Classification Scheme 2023. Collection method: clinical testing. Allele origin: germline.

Fulgent Genetics
Classification: Uncertain significance for Cranioectodermal dysplasia 1. Last evaluated: 2022-04-18. Review status: criteria provided, single submitter. Criteria: ACMG Guidelines, 2015. Collection method: clinical testing. Allele origin: unknown.

Labcorp Genetics (formerly Invitae), Labcorp
Classification: Uncertain significance for Cranioectodermal dysplasia 1. Last evaluated: 2021-09-01. Review status: criteria provided, single submitter. Criteria: Invitae Variant Classification Sherloc (09022015). Collection method: clinical testing. Allele origin: germline.
Comment: This sequence change replaces valine with leucine at codon 388 of the IFT122 protein (p.Val388Leu). The valine residue is moderately conserved and there is a small physicochemical difference between valine and leucine. This variant is present in population databases (rs769712676, ExAC 0.01%). This variant has not been reported in the literature in individuals affected with IFT122-related conditions. Algorithms developed to predict the effect of missense changes on protein structure and function are either unavailable or do not agree on the potential impact of this missense change (SIFT: "Tolerated"; PolyPhen-2: "Possibly Damaging"; Align-GVGD: "Class C0"). In summary, the available evidence is currently insufficient to determine the role of this variant in disease. Therefore, it has been classified as a Variant of Uncertain Significance.

Dr. Peter K. Rogan Lab, Western University
No classification provided (evidence only). Condition: Gastric cancer. Review status: no classification provided. Collection method: in vitro. Allele origin: not applicable. Functional consequence: retained intron. Not counted in ClinVar's aggregate classification.